The following is an entry in ClinVar:

ClinVar aggregate classification (germline): Uncertain significance (1 of 4 stars; one submission).

Conditions:
Peroxisome biogenesis disorder, complementation group 7 (CG7). Also called: Peroxisome biogenesis disorder, complementation group B. Identifiers: MedGen C1864399.

Allele frequency attached by ClinVar (database versions not stated): gnomAD exomes below 0.00001; ExAC 0.00001; gnomAD 0.00003; TOPMed 0.00008; ESP Exome Variant Server 0.00015.
gnomAD v4.1: 9 of 1,611,468 alleles (0.00056%); highest among the groups gnomAD compares: African/African-American, 0.011%; no homozygotes.

Submission:

Labcorp Genetics (formerly Invitae), Labcorp
Classification: Uncertain significance for Peroxisome biogenesis disorder, complementation group 7. Last evaluated: 2022-06-24. Review status: criteria provided, single submitter. Criteria: Invitae Variant Classification Sherloc (09022015). Collection method: clinical testing. Allele origin: germline.
Comment: This sequence change replaces threonine, which is neutral and polar, with isoleucine, which is neutral and non-polar, at codon 151 of the PEX10 protein (p.Thr151Ile). This variant is present in population databases (rs375171673, gnomAD 0.007%). This variant has not been reported in the literature in individuals affected with PEX10-related conditions. Algorithms developed to predict the effect of missense changes on protein structure and function (SIFT, PolyPhen-2, Align-GVGD) all suggest that this variant is likely to be tolerated. In summary, the available evidence is currently insufficient to determine the role of this variant in disease. Therefore, it has been classified as a Variant of Uncertain Significance.

NM_002617.4(PEX10):c.452C>T (p.Thr151Ile)

Gene: PEX10 (peroxisomal biogenesis factor 10; minus strand). Cytogenetic location: 1p36.32.
Variant type: single nucleotide variant.
Coding change: c.452C>T on transcript NM_002617.4 (MANE Select); coding-DNA position 452, C replaced by T.
Protein change: p.Thr151Ile; replaces threonine 151 with isoleucine.
Molecular consequence: missense variant. On other transcripts: non-coding transcript variant (1).
Genome position (GRCh38, 1-based): chr1:2,408,600, G>A on the plus strand (C>T on the coding strand, the complement: PEX10 is on the minus strand). VCF-style: chr1-2408600-G-A. GRCh37 (hg19) VCF-style: chr1-2340039-G-A.
Other names: c.452C>T, p.Thr151Ile (NM_001374425.1, NM_153818.2); c.20C>T, p.Thr7Ile (NM_001374426.1, NM_001374427.1); short protein forms T151I, T7I.
Identifiers: ClinVar variation 2193733 (VCV002193733.1), dbSNP rs375171673, ClinGen allele CA538166.